The following is an entry in ClinVar:

NM_144701.3(IL23R):c.805G>C (p.Glu269Gln)

Gene: IL23R (interleukin 23 receptor; plus strand). Cytogenetic location: 1p31.3.
Variant type: single nucleotide variant.
Coding change: c.805G>C on transcript NM_144701.3 (MANE Select); coding-DNA position 805, G replaced by C.
Protein change: p.Glu269Gln; replaces glutamic acid 269 with glutamine.
Molecular consequence: missense variant.
Genome position (GRCh38, 1-based): chr1:67,219,580, G>C. VCF-style: chr1-67219580-G-C. GRCh37 (hg19) VCF-style: chr1-67685263-G-C.
Other names: c.805G>C (NM_144701.2); short protein forms E269Q.
Identifiers: ClinVar variation 3616184 (VCV003616184.3).

ClinVar aggregate classification (germline): Uncertain significance. Review status: criteria provided, multiple submitters, no conflicts (2 of 4 stars). 2 submissions from 2 submitters: Uncertain significance (2). Last evaluated 2025-12-22.

gnomAD v4.1: 8 of 1,613,752 alleles (0.0005%); highest among the groups gnomAD compares: South Asian, 0.0011%; no homozygotes.

Submissions (2):

Ambry Genetics
Classification: Uncertain significance. Last evaluated: 2025-12-22. Review status: criteria provided, single submitter. Criteria: Ambry Variant Classification Scheme 2023. Collection method: clinical testing. Allele origin: germline.

Labcorp Genetics (formerly Invitae), Labcorp
Classification: Uncertain significance. Last evaluated: 2024-10-13. Review status: criteria provided, single submitter. Criteria: Invitae Variant Classification Sherloc (09022015). Collection method: clinical testing. Allele origin: germline.
Comment: This sequence change replaces glutamic acid, which is acidic and polar, with glutamine, which is neutral and polar, at codon 269 of the IL23R protein (p.Glu269Gln). This variant is present in population databases (rs773477018, gnomAD 0.0009%). This variant has not been reported in the literature in individuals affected with IL23R-related conditions. An algorithm developed to predict the effect of missense changes on protein structure and function (PolyPhen-2) suggests that this variant is likely to be tolerated. In summary, the available evidence is currently insufficient to determine the role of this variant in disease. Therefore, it has been classified as a Variant of Uncertain Significance.